The following is an entry in ClinVar:

NM_000051.4(ATM):c.8473C>G (p.Gln2825Glu)

Genes: ATM (ATM serine/threonine kinase; plus strand), C11orf65 (chromosome 11 open reading frame 65; minus strand). Cytogenetic location: 11q22.3.
Variant type: single nucleotide variant.
Coding change: c.8473C>G on transcript NM_000051.4 (MANE Select); coding-DNA position 8473, C replaced by G.
Protein change: p.Gln2825Glu; replaces glutamine 2825 with glutamic acid.
Molecular consequence: missense variant. On other transcripts: intron variant (2).
Genome position (GRCh38, 1-based): chr11:108,345,797, C>G. VCF-style: chr11-108345797-C-G. GRCh37 (hg19) VCF-style: chr11-108216524-C-G.
Other names: c.8473C>G, p.Gln2825Glu (NM_001351834.2); c.641-36726G>C (NM_001330368.2); c.695-10505G>C (NM_001351110.2); short protein forms Q2825E.
Identifiers: ClinVar variation 1374751 (VCV001374751.7), dbSNP rs587781363, ClinGen allele CA382518004.

ClinVar aggregate classification (germline): Uncertain significance (1 of 4 stars; one submission).

Conditions:
Ataxia-telangiectasia syndrome (AT). Also called: Ataxia-telangiectasia; LOUIS-BAR SYNDROME; Ataxia-telangiectasia, complementation group D; AT, COMPLEMENTATION GROUP C; ATAXIA-TELANGIECTASIA, COMPLEMENTATION GROUP A; ATAXIA-TELANGIECTASIA, FRESNO VARIANT. Identifiers: Orphanet 100, MedGen C0004135, MONDO:0008840, OMIM 208900.

Submission:

Labcorp Genetics (formerly Invitae), Labcorp
Classification: Uncertain significance for Ataxia-telangiectasia syndrome. Last evaluated: 2021-08-12. Review status: criteria provided, single submitter. Criteria: Invitae Variant Classification Sherloc (09022015). Collection method: clinical testing. Allele origin: germline.
Comment: In summary, the available evidence is currently insufficient to determine the role of this variant in disease. Therefore, it has been classified as a Variant of Uncertain Significance. Algorithms developed to predict the effect of missense changes on protein structure and function (SIFT, PolyPhen-2, Align-GVGD) all suggest that this variant is likely to be tolerated. This variant has not been reported in the literature in individuals affected with ATM-related conditions. This variant is not present in population databases (ExAC no frequency). This sequence change replaces glutamine with glutamic acid at codon 2825 of the ATM protein (p.Gln2825Glu). The glutamine residue is moderately conserved and there is a small physicochemical difference between glutamine and glutamic acid.